The following is an entry in ClinVar:

ClinVar aggregate classification (germline): Uncertain significance. Review status: criteria provided, single submitter (1 of 4 stars). 2 submissions from 2 submitters: Uncertain significance (1). 1 of the submissions does not count toward it. Last evaluated 2023-10-26.

Conditions:
Dyskeratosis congenita, autosomal recessive 5 (DKCB5). Identifiers: MedGen C3554656, MONDO:0014076, OMIM 615190.

Submissions (2):

Labcorp Genetics (formerly Invitae), Labcorp
Classification: Uncertain significance. Last evaluated: 2023-10-26. Review status: criteria provided, single submitter. Criteria: Invitae Variant Classification Sherloc (09022015). Collection method: clinical testing. Allele origin: germline.
Comment: This sequence change creates a premature translational stop signal (p.Phe57Leufs*29) in the TNFRSF6B gene. It is expected to result in an absent or disrupted protein product. However, the current clinical and genetic evidence is not sufficient to establish whether loss-of-function variants in TNFRSF6B cause disease. The frequency data for this variant in the population databases is considered unreliable, as metrics indicate poor data quality at this position in the gnomAD database. This variant has not been reported in the literature in individuals affected with TNFRSF6B-related conditions. ClinVar contains an entry for this variant (Variation ID: 552668). Experimental studies and prediction algorithms are not available or were not evaluated, and the functional significance of this variant is currently unknown. In summary, the available evidence is currently insufficient to determine the role of this variant in disease. Therefore, it has been classified as a Variant of Uncertain Significance.

Counsyl
Classification: Uncertain significance for Dyskeratosis congenita, autosomal recessive 5. Last evaluated: 2017-06-26. Review status: no assertion criteria provided. Collection method: clinical testing. Allele origin: unknown. Not counted in ClinVar's aggregate classification.

NM_003823.4(TNFRSF6B):c.168del (p.Phe57fs)

Genes: RTEL1 (regulator of telomere elongation helicase 1; plus strand), RTEL1-TNFRSF6B (RTEL1-TNFRSF6B readthrough (NMD candidate); plus strand), TNFRSF6B (TNF receptor superfamily member 6b; plus strand). Cytogenetic location: 20q13.33.
Variant type: Deletion.
Coding change: c.168del on transcript NM_003823.4 (MANE Select); coding-DNA position 168, one base deleted (C; older notation c.168delC).
Protein change: p.Phe57fs; shifts the reading frame from phenylalanine 57.
Molecular consequence: frameshift variant. On other transcripts: non-coding transcript variant (1).
Genome position (GRCh38, 1-based): chr20:63,696,935, C deleted; the last of 2 consecutive C bases (chr20:63,696,934-63,696,935); deleting either gives the same sequence. VCF-style (leftmost placement, unchanged base first): chr20-63696933-AC-A. GRCh37 (hg19) VCF-style: chr20-62328286-AC-A.
Other names: short protein forms F57fs.
Identifiers: ClinVar variation 552668 (VCV000552668.5), dbSNP rs1305695581, ClinGen allele CA636615376.